The following is an entry in ClinVar:

NM_001040142.2(SCN2A):c.742C>A (p.Leu248Ile)

Gene: SCN2A (sodium voltage-gated channel alpha subunit 2; plus strand). Cytogenetic location: 2q24.3.
Variant type: single nucleotide variant.
Coding change: c.742C>A on transcript NM_001040142.2 (MANE Select); coding-DNA position 742, C replaced by A.
Protein change: p.Leu248Ile; replaces leucine 248 with isoleucine.
Molecular consequence: missense variant.
Genome position (GRCh38, 1-based): chr2:165,310,367, C>A. VCF-style: chr2-165310367-C-A. GRCh37 (hg19) VCF-style: chr2-166166877-C-A.
Other names: c.742C>A, p.Leu248Ile (NM_001040143.2, NM_001371246.1, NM_001371247.1 and 1 more transcripts); short protein forms L248I.
Identifiers: ClinVar variation 956800 (VCV000956800.36), dbSNP rs1697362478, ClinGen allele CA349017903.
Genomic context (GRCh38, chr2:165,310,367, plus strand): 5'-CTGATTTTGTTTGTAGGCCTGAAGACCATTGTGGGGGCCCTGATCCAGTCAGTGAAGAAG[C>A]TTTCTGATGTCATGATCTTGACTGTGTTCTGTCTAAGCGTGTTTGCGCTAATAGGATTGC-3'
Protein context (NP_001035232.1, residues 238-258): VGALIQSVKK[Leu248Ile]SDVMILTVFC

ClinVar aggregate classification (germline): Uncertain significance. Review status: criteria provided, multiple submitters, no conflicts (2 of 4 stars). 3 submissions from 3 submitters: Uncertain significance (3). Last evaluated 2025-10-22.

Conditions:
SCN2A-related disorder. Also called: SCN2A-related condition; SCN2A-related disorders. Identifiers: MedGen CN382226, MONDO:1060245.
Seizures, benign familial infantile, 3 (BFIS3). Also called: Familial neonatal seizures; CONVULSIONS, BENIGN FAMILIAL INFANTILE, 3. Identifiers: Orphanet 140927, Orphanet 306, MedGen C1843140, MONDO:0011904, OMIM 607745.
Developmental and epileptic encephalopathy, 11 (DEE11). Also called: Early infantile epileptic encephalopathy 11. Identifiers: Orphanet 1934, MedGen C3150987, MONDO:0013388, OMIM 613721.

Submissions (3):

3billion
Classification: Uncertain significance for SCN2A-related disorder. Last evaluated: 2025-10-22. Review status: criteria provided, single submitter. Criteria: ACMG Guidelines, 2015. Collection method: clinical testing. Allele origin: germline. Affected: yes.
Comment: The variant is not observed in the gnomAD v4.1.0 dataset. Predicted Consequence/Location: Missense variant In silico tool predictions suggest damaging effect of the variant on gene or gene product [REVEL: 0.83 (>=0.6, sensitivity 0.68 and specificity 0.92); 3Cnet: 0.99 (> 0.75, sensitivity 0.96 and precision 0.92)]. A different missense change at the same codon (p.Leu248Pro) has been reported to be associated with SCN2A-related disorder (PMID: 30287594). However the evidence of pathogenicity is insufficient at this time. Therefore, this variant is classified as VUS according to the recommendation of ACMG/AMP guideline.

CeGaT Center for Human Genetics Tuebingen
Classification: Uncertain significance. Last evaluated: 2021-12-01. Review status: criteria provided, single submitter. Criteria: CeGaT Center For Human Genetics Tuebingen Variant Classification Criteria Version 2. Collection method: clinical testing. Allele origin: germline. Affected: yes. Observed: 1 variant allele.

Labcorp Genetics (formerly Invitae), Labcorp
Classification: Uncertain significance for Benign familial neonatal-infantile seizures; Early infantile epileptic encephalopathy 11. Last evaluated: 2019-09-23. Review status: criteria provided, single submitter. Criteria: Invitae Variant Classification Sherloc (09022015). Collection method: clinical testing. Allele origin: germline.
Comment: This sequence change replaces leucine with isoleucine at codon 248 of the SCN2A protein (p.Leu248Ile). The leucine residue is highly conserved and there is a small physicochemical difference between leucine and isoleucine. This variant is not present in population databases (ExAC no frequency). This variant has not been reported in the literature in individuals with SCN2A-related conditions. Algorithms developed to predict the effect of missense changes on protein structure and function are either unavailable or do not agree on the potential impact of this missense change (SIFT: "Deleterious"; PolyPhen-2: "Probably Damaging"; Align-GVGD: "Class C0"). In summary, the available evidence is currently insufficient to determine the role of this variant in disease. Therefore, it has been classified as a Variant of Uncertain Significance.

Literature cited by the submitters: PubMed 30287594 (cited by 3billion).